The following is an entry in ClinVar:

ClinVar aggregate classification (germline): Likely benign. Review status: criteria provided, multiple submitters, no conflicts (2 of 4 stars). 3 submissions from 3 submitters: Likely benign (2). 1 of the submissions does not count toward it. Last evaluated 2025-10-19.

Conditions:
TRRAP-related disorder. Also called: TRRAP-related condition.

Allele frequency attached by ClinVar (database versions not stated): gnomAD 0.00007; gnomAD exomes 0.00010; TOPMed 0.00010; 1000 Genomes Project 30x 0.00016; ExAC 0.00017; 1000 Genomes Project 0.00020.
gnomAD v4.1: 155 of 1,613,996 alleles (0.0096%); highest among the groups gnomAD compares: Admixed American, 0.035%; no homozygotes.

Submissions (3):

Labcorp Genetics (formerly Invitae), Labcorp
Classification: Likely benign. Last evaluated: 2025-10-19. Review status: criteria provided, single submitter. Criteria: Invitae Variant Classification Sherloc (09022015). Collection method: clinical testing. Allele origin: germline.

CeGaT Center for Human Genetics Tuebingen
Classification: Likely benign. Last evaluated: 2024-03-01. Review status: criteria provided, single submitter. Criteria: CeGaT Center For Human Genetics Tuebingen Variant Classification Criteria Version 2. Collection method: clinical testing. Allele origin: germline. Affected: yes. Observed: 1 variant allele.
Comment: TRRAP: BP4, BP7

PreventionGenetics, part of Exact Sciences
Classification: Likely benign for TRRAP-related condition. Last evaluated: 2024-08-26. Review status: no assertion criteria provided. Collection method: clinical testing. Allele origin: germline. Not counted in ClinVar's aggregate classification.
Comment: This variant is classified as likely benign based on ACMG/AMP sequence variant interpretation guidelines (Richards et al. 2015 PMID: 25741868, with internal and published modifications).

NM_001375524.1(TRRAP):c.531A>G (p.Gln177=)

Gene: TRRAP (transformation/transcription domain associated protein; plus strand). Cytogenetic location: 7q22.1.
Variant type: single nucleotide variant.
Coding change: c.531A>G on transcript NM_001375524.1 (MANE Select); coding-DNA position 531, A replaced by G.
Protein change: p.Gln177=; no amino-acid change (glutamine 177 retained).
Molecular consequence: synonymous variant.
Genome position (GRCh38, 1-based): chr7:98,897,764, A>G. VCF-style: chr7-98897764-A-G. GRCh37 (hg19) VCF-style: chr7-98495387-A-G.
Other names: c.531A>G, p.Gln177= (NM_001244580.2, NM_003496.4); c.531A>G (NM_003496.3).
Identifiers: ClinVar variation 2058502 (VCV002058502.26), dbSNP rs547824572, ClinGen allele CA4359276.